The following is an entry in ClinVar:

NM_001105206.3(LAMA4):c.3933G>A (p.Leu1311=)

Gene: LAMA4 (laminin subunit alpha 4; minus strand). Cytogenetic location: 6q21.
Variant type: single nucleotide variant.
Coding change: c.3933G>A on transcript NM_001105206.3 (MANE Select); coding-DNA position 3933, G replaced by A.
Protein change: p.Leu1311=; no amino-acid change (leucine 1311 retained).
Molecular consequence: synonymous variant.
Genome position (GRCh38, 1-based): chr6:112,131,003, C>T on the plus strand (G>A on the coding strand, the complement: LAMA4 is on the minus strand). VCF-style: chr6-112131003-C-T. GRCh37 (hg19) VCF-style: chr6-112452205-C-T.
Other names: c.3912G>A (LRG_433t2); c.3912G>A, p.Leu1304= (NM_001105207.3, NM_002290.5).
Identifiers: ClinVar variation 511416 (VCV000511416.1), dbSNP rs1554329558, ClinGen allele CA451597016.

ClinVar aggregate classification (germline): Likely benign (1 of 4 stars; one submission).

Submission:

GeneDx
Classification: Likely benign. Last evaluated: 2017-08-11. Review status: criteria provided, single submitter. Criteria: GeneDx Variant Classification (06012015). Collection method: clinical testing. Allele origin: germline. Affected: yes.
Comment: This variant is considered likely benign or benign based on one or more of the following criteria: it is a conservative change, it occurs at a poorly conserved position in the protein, it is predicted to be benign by multiple in silico algorithms, and/or has population frequency not consistent with disease.